The following is an entry in ClinVar:

ClinVar aggregate classification (germline): Uncertain significance (1 of 4 stars; one submission).

Conditions:
Developmental and epileptic encephalopathy, 53. Also called: Epileptic encephalopathy, early infantile, 53. Identifiers: MedGen C4479313, MONDO:0033362, OMIM 617389.
Early-onset Parkinson disease 20. Also called: PARKINSON DISEASE 20, AUTOSOMAL RECESSIVE EARLY-ONSET. Identifiers: Orphanet 391411, MedGen C3809824, MONDO:0014233, OMIM 615530.

Submission:

Labcorp Genetics (formerly Invitae), Labcorp
Classification: Uncertain significance for Developmental and epileptic encephalopathy, 53; Early-onset Parkinson disease 20. Last evaluated: 2022-08-23. Review status: criteria provided, single submitter. Criteria: Invitae Variant Classification Sherloc (09022015). Collection method: clinical testing. Allele origin: germline.
Comment: In summary, the available evidence is currently insufficient to determine the role of this variant in disease. Therefore, it has been classified as a Variant of Uncertain Significance. Variants that disrupt the consensus splice site are a relatively common cause of aberrant splicing (PMID: 17576681, 9536098). Algorithms developed to predict the effect of sequence changes on RNA splicing suggest that this variant may disrupt the consensus splice site. ClinVar contains an entry for this variant (Variation ID: 1481490). This variant has not been reported in the literature in individuals affected with SYNJ1-related conditions. This variant is not present in population databases (gnomAD no frequency). This sequence change falls in intron 10 of the SYNJ1 gene. It does not directly change the encoded amino acid sequence of the SYNJ1 protein. It affects a nucleotide within the consensus splice site.

Literature cited by the submitters: PubMed 17576681; PubMed 9536098.

NM_203446.3(SYNJ1):c.1200+2dup

Gene: SYNJ1 (synaptojanin 1; minus strand). Cytogenetic location: 21q22.11.
Variant type: Duplication.
Coding change: c.1200+2dup on transcript NM_203446.3 (MANE Select); the canonical splice donor site of the intron after coding-DNA position 1200, one base duplicated (T; older notation c.1200+2dupT).
Molecular consequence: splice donor variant.
Genome position (GRCh38, 1-based): chr21:32,684,036, A duplicated on the plus strand (T on the coding strand, the reverse complement: SYNJ1 is on the minus strand). VCF-style (leftmost placement, unchanged base first): chr21-32684035-T-TA. GRCh37 (hg19) VCF-style: chr21-34056345-T-TA.
Other names: c.1317+2dup (NM_003895.4); c.1200+2dup (NM_001160302.2, NM_001160306.2).
Identifiers: ClinVar variation 1481490 (VCV001481490.6), dbSNP rs2146072160, ClinGen allele CA2573157391.
Genomic context (GRCh38, chr21:32,684,035, plus strand): 5'-ATTCAAAAAGCACTTAAAGAGGCAGATGATACAAGGCACATACATTTTAATTTATTCTTT[T>TA]ACCTCTAAGCCAAGAAATGCCTGCACACTATTTGTTCTATCAAGACAATCCAAGCAGTTT-3'